The following is an entry in ClinVar:

NM_032608.7(MYO18B):c.3787C>T (p.His1263Tyr)

Gene: MYO18B (myosin XVIIIB; plus strand). Cytogenetic location: 22q12.1.
Variant type: single nucleotide variant.
Coding change: c.3787C>T on transcript NM_032608.7 (MANE Select); coding-DNA position 3787, C replaced by T.
Protein change: p.His1263Tyr; replaces histidine 1263 with tyrosine.
Molecular consequence: missense variant.
Genome position (GRCh38, 1-based): chr22:25,851,481, C>T. VCF-style: chr22-25851481-C-T. GRCh37 (hg19) VCF-style: chr22-26247448-C-T.
Other names: c.3790C>T, p.His1264Tyr (NM_001318245.2); short protein forms H1264Y, H1263Y.
Identifiers: ClinVar variation 2177477 (VCV002177477.3), dbSNP rs745925021, ClinGen allele CA10160651.

ClinVar aggregate classification (germline): Uncertain significance (1 of 4 stars; one submission).

Allele frequency attached by ClinVar (database versions not stated): gnomAD exomes 0.00001.
gnomAD v4.1: 7 of 1,555,636 alleles (0.00045%); highest among the groups gnomAD compares: Admixed American, 0.012%; no homozygotes.

Submission:

Labcorp Genetics (formerly Invitae), Labcorp
Classification: Uncertain significance. Last evaluated: 2022-08-22. Review status: criteria provided, single submitter. Criteria: Invitae Variant Classification Sherloc (09022015). Collection method: clinical testing. Allele origin: germline.
Comment: In summary, the available evidence is currently insufficient to determine the role of this variant in disease. Therefore, it has been classified as a Variant of Uncertain Significance. This sequence change replaces histidine, which is basic and polar, with tyrosine, which is neutral and polar, at codon 1263 of the MYO18B protein (p.His1263Tyr). This variant is present in population databases (rs745925021, gnomAD 0.01%). This variant has not been reported in the literature in individuals affected with MYO18B-related conditions. Algorithms developed to predict the effect of missense changes on protein structure and function are either unavailable or do not agree on the potential impact of this missense change (SIFT: "Not Available"; PolyPhen-2: "Probably Damaging"; Align-GVGD: "Not Available").